The following is an entry in ClinVar:

NM_025114.4(CEP290):c.1937A>C (p.Gln646Pro)

Gene: CEP290 (centrosomal protein 290; minus strand). Cytogenetic location: 12q21.32.
Variant type: single nucleotide variant.
Coding change: c.1937A>C on transcript NM_025114.4 (MANE Select); coding-DNA position 1937, A replaced by C.
Protein change: p.Gln646Pro; replaces glutamine 646 with proline.
Molecular consequence: missense variant.
Genome position (GRCh38, 1-based): chr12:88,114,535, T>G on the plus strand (A>C on the coding strand, the complement: CEP290 is on the minus strand). VCF-style: chr12-88114535-T-G. GRCh37 (hg19) VCF-style: chr12-88508312-T-G.
Other names: short protein forms Q646P.
Identifiers: ClinVar variation 4999039 (VCV004999039.1).

ClinVar aggregate classification (germline): Uncertain significance (1 of 4 stars; one submission).

Conditions:
CEP290-related disorder. Also called: CEP290-related disorders; CEP290-related condition. Identifiers: MedGen CN239314.

Submission:

PreventionGenetics, part of Exact Sciences
Classification: Uncertain significance for CEP290-related condition. Last evaluated: 2025-01-29. Review status: criteria provided, single submitter. Criteria: ACMG Guidelines, 2015. Collection method: clinical testing. Allele origin: germline.
Comment: The CEP290 c.1937A>C variant is predicted to result in the amino acid substitution p.Gln646Pro. To our knowledge, this variant has not been reported in the literature or in a large population database (gnomAD), indicating this variant is rare. At this time, the clinical significance of this variant is uncertain due to the absence of conclusive functional and genetic evidence.